The following is an entry in ClinVar:

ClinVar aggregate classification (germline): Pathogenic (1 of 4 stars; one submission).

Conditions:
Marfan syndrome (MFS). Also called: MARFAN SYNDROME, TYPE I; Marfan syndrome type 1; Marfan's syndrome; Marfan syndrome, classic; FBN1-Related Marfan Syndrome. Identifiers: Orphanet 284963, Orphanet 558, MedGen C0024796, MONDO:0007947, OMIM 154700.
Familial thoracic aortic aneurysm and aortic dissection (TAAD). Also called: Thoracic aortic aneurysms and dissections. Identifiers: Orphanet 91387, MedGen C4707243, MONDO:0019625.

Submission:

Labcorp Genetics (formerly Invitae), Labcorp
Classification: Pathogenic for Marfan syndrome; Familial thoracic aortic aneurysm and aortic dissection. Last evaluated: 2023-11-01. Review status: criteria provided, single submitter. Criteria: Invitae Variant Classification Sherloc (09022015). Collection method: clinical testing. Allele origin: germline.
Comment: This sequence change creates a premature translational stop signal (p.Pro1816Glnfs*77) in the FBN1 gene. It is expected to result in an absent or disrupted protein product. Loss-of-function variants in FBN1 are known to be pathogenic (PMID: 17657824, 19293843). This variant is not present in population databases (gnomAD no frequency). This variant has not been reported in the literature in individuals affected with FBN1-related conditions. For these reasons, this variant has been classified as Pathogenic.

Literature cited by the submitters: PubMed 17657824; PubMed 19293843.

NM_000138.5(FBN1):c.5447del (p.Pro1816fs)

Gene: FBN1 (fibrillin 1; minus strand). Cytogenetic location: 15q21.1.
Variant type: Deletion.
Coding change: c.5447del on transcript NM_000138.5 (MANE Select); coding-DNA position 5447, one base deleted (C; older notation c.5447delC).
Protein change: p.Pro1816fs; shifts the reading frame from proline 1816.
Molecular consequence: frameshift variant.
Genome position (GRCh38, 1-based): chr15:48,452,660, G deleted on the plus strand (C on the coding strand, the reverse complement: FBN1 is on the minus strand); the first of 3 consecutive G bases (chr15:48,452,660-48,452,662); deleting any one gives the same sequence. VCF-style (leftmost placement, unchanged base first): chr15-48452659-TG-T. GRCh37 (hg19) VCF-style: chr15-48744856-TG-T.
Other names: c.5447del, p.Pro1816fs (NM_001406716.1); short protein forms P1816fs.
Identifiers: ClinVar variation 2951845 (VCV002951845.3), dbSNP rs2505470845, ClinGen allele CA2740096642.